The following is an entry in ClinVar:

ClinVar aggregate classification (germline): Pathogenic (1 of 4 stars; one submission).

Submission:

Labcorp Genetics (formerly Invitae), Labcorp
Classification: Pathogenic. Last evaluated: 2019-11-05. Review status: criteria provided, single submitter. Criteria: Invitae Variant Classification Sherloc (09022015). Collection method: clinical testing. Allele origin: germline.
Comment: This sequence change results in a premature translational stop signal in the HJV gene (p.Lys219Serfs*27). While this is not anticipated to result in nonsense mediated decay, it is expected to disrupt the last 183 amino acids of the HJV protein. This variant is not present in population databases (ExAC no frequency). This variant has not been reported in the literature in individuals with HJV-related conditions. This variant disrupts the C-terminus of the HJV protein. Other variant(s) that disrupt this region (p.Arg326*, p.Gly336*, p.Arg385*, p.Ala343Profs*24) have been determined to be pathogenic and/or observed in individuals with HJV-related conditions (PMID: 30195625, 14982873, 19342478). This suggests that variants that disrupt this region of the protein are likely to be causative of disease. For these reasons, this variant has been classified as Pathogenic.

Literature cited by the submitters: PubMed 30195625; PubMed 14982873; PubMed 19342478.

NM_213653.4(HJV):c.654del (p.Lys219fs)

Gene: HJV (hemojuvelin BMP co-receptor; minus strand). Cytogenetic location: 1q21.1.
Variant type: Deletion.
Coding change: c.654del on transcript NM_213653.4 (MANE Select); coding-DNA position 654, one base deleted (G; older notation c.654delG).
Protein change: p.Lys219fs; shifts the reading frame from lysine 219.
Molecular consequence: frameshift variant. On other transcripts: intron variant (3).
Genome position (GRCh38, 1-based): chr1:146,019,178, C deleted on the plus strand (G on the coding strand, the reverse complement: HJV is on the minus strand); the first of 2 consecutive C bases (chr1:146,019,178-146,019,179); deleting either gives the same sequence. VCF-style (leftmost placement, unchanged base first): chr1-146019177-TC-T. GRCh37 (hg19) VCF-style: chr1-145415833-CG-C.
Other names: c.654del, p.Lys219fs (NM_001379352.1); c.315del, p.Lys106fs (NM_145277.5); c.-21-478del (NM_213652.4, NM_202004.4, NM_001316767.2); short protein forms K219fs, K106fs.
Identifiers: ClinVar variation 961051 (VCV000961051.9), dbSNP rs1652538079, ClinGen allele CA1139656290.